The following is an entry in ClinVar:

ClinVar aggregate classification (germline): Uncertain significance (1 of 4 stars; one submission).

Submission:

Ambry Genetics
Classification: Uncertain significance. Last evaluated: 2022-03-03. Review status: criteria provided, single submitter. Criteria: Ambry Variant Classification Scheme 2023. Collection method: clinical testing. Allele origin: germline.
Comment: The p.K701T variant (also known as c.2102A>C), located in coding exon 13 of the POLQ gene, results from an A to C substitution at nucleotide position 2102. The lysine at codon 701 is replaced by threonine, an amino acid with similar properties. This amino acid position is conserved. In addition, this alteration is predicted to be tolerated by in silico analysis. Since supporting evidence is limited at this time, the clinical significance of this alteration remains unclear.

NM_199420.4(POLQ):c.2102A>C (p.Lys701Thr)

Gene: POLQ (DNA polymerase theta; minus strand). Cytogenetic location: 3q13.33.
Variant type: single nucleotide variant.
Coding change: c.2102A>C on transcript NM_199420.4 (MANE Select); coding-DNA position 2102, A replaced by C.
Protein change: p.Lys701Thr; replaces lysine 701 with threonine.
Molecular consequence: missense variant.
Genome position (GRCh38, 1-based): chr3:121,498,528, T>G on the plus strand (A>C on the coding strand, the complement: POLQ is on the minus strand). VCF-style: chr3-121498528-T-G. GRCh37 (hg19) VCF-style: chr3-121217375-T-G.
Other names: short protein forms K701T.
Identifiers: ClinVar variation 1785933 (VCV001785933.2), dbSNP rs2546794700, ClinGen allele CA354109979.